The following is an entry in ClinVar:

NM_015965.7(NDUFA13):c.43G>A (p.Gly15Ser)

Genes: NDUFA13 (NADH:ubiquinone oxidoreductase subunit A13; plus strand), LOC130064074 (ATAC-STARR-seq lymphoblastoid active region 14360; plus strand). Cytogenetic location: 19p13.11.
Variant type: single nucleotide variant.
Coding change: c.43G>A on transcript NM_015965.7 (MANE Select); coding-DNA position 43, G replaced by A.
Protein change: p.Gly15Ser; replaces glycine 15 with serine.
Molecular consequence: missense variant.
Genome position (GRCh38, 1-based): chr19:19,516,281, G>A. VCF-style: chr19-19516281-G-A. GRCh37 (hg19) VCF-style: chr19-19627090-G-A.
Other names: p.Gly15Ser; short protein forms G15S.
Identifiers: ClinVar variation 3380605 (VCV003380605.1).

ClinVar aggregate classification (germline): Uncertain significance (1 of 4 stars; one submission).

gnomAD v4.1: 9 of 1,613,850 alleles (0.00056%); highest among the groups gnomAD compares: African/African-American, 0.0013%; no homozygotes.

Submission:

Mayo Clinic Laboratories, Mayo Clinic
Classification: Uncertain significance. Last evaluated: 2023-09-21. Review status: criteria provided, single submitter. Criteria: ACMG Guidelines, 2015. Collection method: clinical testing. Allele origin: germline. Observed: 1 variant allele.
Comment: PP3, PM2_moderate